The following is an entry in ClinVar:

NM_000089.4(COL1A2):c.792+6A>C

Gene: COL1A2 (collagen type I alpha 2 chain; plus strand). Cytogenetic location: 7q21.3.
Variant type: single nucleotide variant.
Coding change: c.792+6A>C on transcript NM_000089.4 (MANE Select); 6 bases into the intron after coding-DNA position 792, A replaced by C.
Molecular consequence: intron variant.
Genome position (GRCh38, 1-based): chr7:94,408,829, A>C. VCF-style: chr7-94408829-A-C. GRCh37 (hg19) VCF-style: chr7-94038141-A-C.
Identifiers: ClinVar variation 2111667 (VCV002111667.4), dbSNP rs754653013, ClinGen allele CA4346819.
Genomic context (GRCh38, chr7:94,408,829, plus strand): 5'-GGGTCCCATTGGGTCTGCTGGCCCTCCAGGCTTCCCAGGTGCCCCTGGCCCCAAGGTAAA[A>C]ACACTGGTGACCATTGTCACTACTTTGATAAACTTTTTACTGTGATGTGAAAGATTGGAA-3'

ClinVar aggregate classification (germline): Uncertain significance (1 of 4 stars; one submission).

Conditions:
Ehlers-Danlos syndrome, classic type, 1 (EDSCL1). Also called: EHLERS-DANLOS SYNDROME, GRAVIS TYPE; EHLERS-DANLOS SYNDROME, SEVERE CLASSIC TYPE; Ehlers-Danlos syndrome, type 1; EDS I; Ehlers-Danlos Syndrome, Classic Type, COL5A1-Related. Identifiers: MedGen C0268335, MONDO:0019567, OMIM 130000.
Osteogenesis imperfecta type I (OI1). Also called: OI, TYPE I; OSTEOGENESIS IMPERFECTA TARDA; OSTEOGENESIS IMPERFECTA WITH BLUE SCLERAE; Osteogenesis imperfecta type 1; Lobstein's Disease; Lobstein disease. Identifiers: Orphanet 216796, Orphanet 666, MedGen C0023931, MONDO:0008146, OMIM 166200. Disease mechanism: loss of function.

Allele frequency attached by ClinVar (database versions not stated): gnomAD exomes below 0.00001; ExAC 0.00001; gnomAD 0.00001.
gnomAD v4.1: 4 of 1,613,722 alleles (0.00025%); highest among the groups gnomAD compares: Non-Finnish European, 0.00025%; no homozygotes.

Submission:

Labcorp Genetics (formerly Invitae), Labcorp
Classification: Uncertain significance for Osteogenesis imperfecta type I; Ehlers-Danlos syndrome, classic type, 1. Last evaluated: 2024-10-26. Review status: criteria provided, single submitter. Criteria: Invitae Variant Classification Sherloc (09022015). Collection method: clinical testing. Allele origin: germline.
Comment: This sequence change falls in intron 16 of the COL1A2 gene. It does not directly change the encoded amino acid sequence of the COL1A2 protein. It affects a nucleotide within the consensus splice site. This variant is present in population databases (rs754653013, gnomAD 0.0009%). This variant has not been reported in the literature in individuals affected with COL1A2-related conditions. ClinVar contains an entry for this variant (Variation ID: 2111667). Variants that disrupt the consensus splice site are a relatively common cause of aberrant splicing (PMID: 17576681, 9536098). Algorithms developed to predict the effect of sequence changes on RNA splicing suggest that this variant is not likely to affect RNA splicing. In summary, the available evidence is currently insufficient to determine the role of this variant in disease. Therefore, it has been classified as a Variant of Uncertain Significance.

Literature cited by the submitters: PubMed 17576681; PubMed 9536098.